The following is an entry in ClinVar:

ClinVar aggregate classification (germline): Uncertain significance (1 of 4 stars; one submission).

Submission:

Dasa
Classification: Uncertain significance. Last evaluated: 2025-01-15. Review status: criteria provided, single submitter. Criteria: DASA Assertion Criteria. Collection method: clinical testing. Allele origin: germline.
Comment: NM_004333.6(BRAF):c.84_118del (p.Ala29Profs*15) is a frameshift variant in BRAF predicted to alter the reading frame and introduce a premature termination codon. This variant is absent from population databases. The currently available literature and clinical evidence are not sufficient to establish a definitive association between this variant and the reported condition. Therefore, this variant is classified as a variant of uncertain significance.

NM_004333.6(BRAF):c.84_118del (p.Ala29fs)

Gene: BRAF (B-Raf proto-oncogene, serine/threonine kinase; minus strand). Cytogenetic location: 7q34.
Variant type: Deletion.
Coding change: c.84_118del on transcript NM_004333.6 (MANE Select); coding-DNA positions 84 to 118, 35 bases deleted.
Protein change: p.Ala29fs; shifts the reading frame from alanine 29.
Molecular consequence: frameshift variant.
Genome position (GRCh38, 1-based): chr7:140,924,586-140,924,620, 35 bases deleted; deleting any 35 consecutive bases within chr7:140,924,586-140,924,623 gives the same sequence; the c. name uses the placement nearest the transcript's 3' end. GRCh37 (hg19): chr7:140,624,389-140,624,423.
Other names: c.84_118del, p.Ala29fs (NM_001378467.1, NM_001378468.1, NM_001378469.1 and 7 more transcripts); short protein forms A29fs.
Identifiers: ClinVar variation 4884147 (VCV004884147.2).